The following is an entry in ClinVar:

NM_030777.4(SLC2A10):c.1559G>A (p.Ser520Asn)

Gene: SLC2A10 (solute carrier family 2 member 10; plus strand). Cytogenetic location: 20q13.12.
Variant type: single nucleotide variant.
Coding change: c.1559G>A on transcript NM_030777.4 (MANE Select); coding-DNA position 1559, G replaced by A.
Protein change: p.Ser520Asn; replaces serine 520 with asparagine.
Molecular consequence: missense variant.
Genome position (GRCh38, 1-based): chr20:46,733,767, G>A. VCF-style: chr20-46733767-G-A. GRCh37 (hg19) VCF-style: chr20-45362406-G-A.
Other names: short protein forms S520N.
Identifiers: ClinVar variation 467813 (VCV000467813.54), dbSNP rs573480396, ClinGen allele CA9892269.

ClinVar aggregate classification (germline): Benign/Likely benign. Review status: criteria provided, multiple submitters, no conflicts (2 of 4 stars). 6 submissions from 6 submitters: Benign (1); Likely benign (4). 1 of the submissions does not count toward it. Last evaluated 2026-01-20.

Conditions:
Familial thoracic aortic aneurysm and aortic dissection (TAAD). Also called: Thoracic aortic aneurysms and dissections. Identifiers: Orphanet 91387, MedGen C4707243, MONDO:0019625.
Arterial tortuosity syndrome (ATORS). Identifiers: Orphanet 3342, MedGen C1859726, MONDO:0008818, OMIM 208050.
SLC2A10-related disorder. Also called: SLC2A10-related condition.

Allele frequency attached by ClinVar (database versions not stated): gnomAD 0.00007 and 0.00015; TOPMed 0.00012; 1000 Genomes Project 30x 0.00016; 1000 Genomes Project 0.00020; gnomAD exomes 0.00021 and 0.00036; ExAC 0.00042.
gnomAD v4.1: 320 of 1,614,136 alleles (0.02%); highest among the groups gnomAD compares: South Asian, 0.22%; 5 homozygotes.

Submissions (6):

Labcorp Genetics (formerly Invitae), Labcorp
Classification: Likely benign for Arterial tortuosity syndrome. Last evaluated: 2026-01-20. Review status: criteria provided, single submitter. Criteria: Invitae Variant Classification Sherloc (09022015). Collection method: clinical testing. Allele origin: germline.

Women's Health and Genetics/Laboratory Corporation of America, LabCorp
Classification: Likely benign. Last evaluated: 2025-08-04. Review status: criteria provided, single submitter. Criteria: LabCorp Variant Classification Summary - May 2015. Collection method: clinical testing. Allele origin: germline.
Comment: Variant summary: SLC2A10 c.1559G>A (p.Ser520Asn) results in a conservative amino acid change in the encoded protein sequence. Algorithms developed to predict the effect of missense changes on protein structure and function all suggest that this variant is likely to be tolerated. The variant allele was found at a frequency of 0.00036 in 251156 control chromosomes, predominantly at a frequency of 0.0023 within the South Asian subpopulation in the gnomAD database, including 2 homozygotes. The observed variant frequency within South Asian control individuals in the gnomAD database is approximately 1.45 fold of the estimated maximal expected allele frequency for a pathogenic variant in SLC2A10 causing Arterial Tortuosity Syndrome phenotype (0.0016). To our knowledge, no occurrence of c.1559G>A in individuals affected with Arterial Tortuosity Syndrome and no experimental evidence demonstrating its impact on protein function have been reported. ClinVar contains an entry for this variant (Variation ID: 467813). Based on the evidence outlined above, the variant was classified as likely benign.

CeGaT Center for Human Genetics Tuebingen
Classification: Likely benign. Last evaluated: 2021-06-01. Review status: criteria provided, single submitter. Criteria: CeGaT Center For Human Genetics Tuebingen Variant Classification Criteria Version 2. Collection method: clinical testing. Allele origin: germline. Affected: yes. Observed: 1 variant allele.

GeneDx
Classification: Likely benign. Last evaluated: 2021-05-13. Review status: criteria provided, single submitter. Criteria: GeneDx Variant Classification Process June 2021. Collection method: clinical testing. Allele origin: germline. Affected: yes.

Ambry Genetics
Classification: Benign for Familial thoracic aortic aneurysm and aortic dissection. Last evaluated: 2020-11-12. Review status: criteria provided, single submitter. Criteria: Ambry Variant Classification Scheme 2023. Collection method: clinical testing. Allele origin: germline.

PreventionGenetics, part of Exact Sciences
Classification: Likely benign for SLC2A10-related condition. Last evaluated: 2021-08-13. Review status: no assertion criteria provided. Collection method: clinical testing. Allele origin: germline. Not counted in ClinVar's aggregate classification.
Comment: This variant is classified as likely benign based on ACMG/AMP sequence variant interpretation guidelines (Richards et al. 2015 PMID: 25741868, with internal and published modifications).